The following is an entry in ClinVar:

NM_001267550.2(TTN):c.58631T>C (p.Leu19544Pro)

Genes: TTN (titin; minus strand), TTN-AS1 (TTN antisense RNA 1; plus strand). Cytogenetic location: 2q31.2.
Variant type: single nucleotide variant.
Coding change: c.58631T>C on transcript NM_001267550.2 (MANE Select); coding-DNA position 58631, T replaced by C.
Protein change: p.Leu19544Pro; replaces leucine 19544 with proline.
Molecular consequence: missense variant.
Genome position (GRCh38, 1-based): chr2:178,593,669, A>G on the plus strand (T>C on the coding strand, the complement: TTN is on the minus strand). VCF-style: chr2-178593669-A-G. GRCh37 (hg19) VCF-style: chr2-179458396-A-G.
Other names: c.53708T>C, p.Leu17903Pro (NM_001256850.1); c.31436T>C, p.Leu10479Pro (NM_003319.4); c.50927T>C, p.Leu16976Pro (NM_133378.4); c.31811T>C, p.Leu10604Pro (NM_133432.3); c.32012T>C, p.Leu10671Pro (NM_133437.4); short protein forms L10479P, L10604P, L10671P, L16976P, L17903P, L19544P.
Identifiers: ClinVar variation 3895269 (VCV003895269.1), dbSNP rs373353480.
Genomic context (GRCh38, chr2:178,593,669, plus strand): 5'-TCACTTATTCCATACAGATTTTCAGCATGTATCCGGAAAATATAATCTTTTCCTTCAAGT[A>G]GTTTAGAAACTTTGCATGTTGTTTTAGCACTTGCAGATGTCACTGGCATCCAGACGTCTT-3'
Protein context (NP_001254479.2, residues 19534-19554): SAKTTCKVSK[Leu19544Pro]LEGKDYIFRI

ClinVar aggregate classification (germline): Likely benign (1 of 4 stars; one submission).

gnomAD v4.1: 7 of 1,613,178 alleles (0.00043%); highest among the groups gnomAD compares: Non-Finnish European, 0.00059%; no homozygotes.

Submission:

Molecular Diagnostic Laboratory for Inherited Cardiovascular Disease, Montreal Heart Institute
Classification: Likely benign. Last evaluated: 2025-04-09. Review status: criteria provided, single submitter. Criteria: ACMG Guidelines, 2015. Collection method: clinical testing. Allele origin: germline. Affected: no.
Comment: BP1